The following is an entry in ClinVar:

ClinVar aggregate classification (germline): Uncertain significance (1 of 4 stars; one submission).

Conditions:
Developmental and epileptic encephalopathy, 9 (DEE9). Also called: EPILEPSY, FEMALE-RESTRICTED, WITH MENTAL RETARDATION; JUBERG-HELLMAN SYNDROME; Early infantile epileptic encephalopathy 9; PCDH19-Related X-Linked Female-Limited Epilepsy with Mental Retardation. Identifiers: Orphanet 101039, Orphanet 2076, MedGen C1848137, MONDO:0010246, OMIM 300088. Disease mechanism: loss of function.

gnomAD v4.1: 6 of 1,211,688 alleles (0.0005%); highest among the groups gnomAD compares: Non-Finnish European, 0.00067%; no homozygotes.

Submission:

Labcorp Genetics (formerly Invitae), Labcorp
Classification: Uncertain significance for Developmental and epileptic encephalopathy, 9. Last evaluated: 2024-02-22. Review status: criteria provided, single submitter. Criteria: Invitae Variant Classification Sherloc (09022015). Collection method: clinical testing. Allele origin: germline.
Comment: This sequence change replaces arginine, which is basic and polar, with glutamine, which is neutral and polar, at codon 550 of the PCDH19 protein (p.Arg550Gln). This variant is present in population databases (rs749194972, gnomAD 0.002%). This variant has not been reported in the literature in individuals affected with PCDH19-related conditions. Advanced modeling of protein sequence and biophysical properties (such as structural, functional, and spatial information, amino acid conservation, physicochemical variation, residue mobility, and thermodynamic stability) has been performed at Invitae for this missense variant, however the output from this modeling did not meet the statistical confidence thresholds required to predict the impact of this variant on PCDH19 protein function. In summary, the available evidence is currently insufficient to determine the role of this variant in disease. Therefore, it has been classified as a Variant of Uncertain Significance.

NM_001184880.2(PCDH19):c.1649G>A (p.Arg550Gln)

Gene: PCDH19 (protocadherin 19; minus strand). Cytogenetic location: Xq22.1.
Variant type: single nucleotide variant.
Coding change: c.1649G>A on transcript NM_001184880.2 (MANE Select); coding-DNA position 1649, G replaced by A.
Protein change: p.Arg550Gln; replaces arginine 550 with glutamine.
Molecular consequence: missense variant.
Genome position (GRCh38, 1-based): chrX:100,406,949, C>T on the plus strand (G>A on the coding strand, the complement: PCDH19 is on the minus strand). VCF-style: chrX-100406949-C-T. GRCh37 (hg19) VCF-style: chrX-99661947-C-T.
Other names: c.1649G>A, p.Arg550Gln (NM_001105243.2, NM_020766.3); short protein forms R550Q.
Identifiers: ClinVar variation 3730762 (VCV003730762.2).